The following is an entry in ClinVar:

NM_175875.5(SIX5):c.2170G>A (p.Val724Ile)

Gene: SIX5 (SIX homeobox 5; minus strand). Cytogenetic location: 19q13.32.
Variant type: single nucleotide variant.
Coding change: c.2170G>A on transcript NM_175875.5 (MANE Select); coding-DNA position 2170, G replaced by A.
Protein change: p.Val724Ile; replaces valine 724 with isoleucine.
Molecular consequence: missense variant.
Genome position (GRCh38, 1-based): chr19:45,765,551, C>T on the plus strand (G>A on the coding strand, the complement: SIX5 is on the minus strand). VCF-style: chr19-45765551-C-T. GRCh37 (hg19) VCF-style: chr19-46268809-C-T.
Other names: short protein forms V724I.
Identifiers: ClinVar variation 2071175 (VCV002071175.4), dbSNP rs2513597709, ClinGen allele CA406415369.
Genomic context (GRCh38, chr19:45,765,551, plus strand): 5'-CCACACTGGGTCACAGTTCCAAGGGCTCCTCCACAGGCACCGACTGGAGCTGGGTCAGAA[C>T]CTTGGCCTCAGCTTCCAACCCCTCGTCAACCTCACCCCCTGCGGTGGCCCCCAGGAGCAG-3'
Protein context (NP_787071.3, residues 714-734): VDEGLEAEAK[Val724Ile]LTQLQSVPVE

ClinVar aggregate classification (germline): Uncertain significance (1 of 4 stars; one submission).

Allele frequency attached by ClinVar (database versions not stated): gnomAD exomes below 0.00001.

Submission:

Labcorp Genetics (formerly Invitae), Labcorp
Classification: Uncertain significance. Last evaluated: 2024-09-27. Review status: criteria provided, single submitter. Criteria: Invitae Variant Classification Sherloc (09022015). Collection method: clinical testing. Allele origin: germline.
Comment: This sequence change replaces valine, which is neutral and non-polar, with isoleucine, which is neutral and non-polar, at codon 724 of the SIX5 protein (p.Val724Ile). This variant is not present in population databases (gnomAD no frequency). This variant has not been reported in the literature in individuals affected with SIX5-related conditions. ClinVar contains an entry for this variant (Variation ID: 2071175). An algorithm developed to predict the effect of missense changes on protein structure and function (PolyPhen-2) suggests that this variant is likely to be disruptive. In summary, the available evidence is currently insufficient to determine the role of this variant in disease. Therefore, it has been classified as a Variant of Uncertain Significance.